The following is an entry in ClinVar:

NM_021167.5(GATAD1):c.112G>T (p.Gly38Cys)

Genes: GATAD1 (GATA zinc finger domain containing 1; plus strand), LOC129998793 (ATAC-STARR-seq lymphoblastoid silent region 18371; plus strand). Cytogenetic location: 7q21.2.
Variant type: single nucleotide variant.
Coding change: c.112G>T on transcript NM_021167.5 (MANE Select); coding-DNA position 112, G replaced by T.
Protein change: p.Gly38Cys; replaces glycine 38 with cysteine.
Molecular consequence: missense variant. On other transcripts: non-coding transcript variant (1).
Genome position (GRCh38, 1-based): chr7:92,447,841, G>T. VCF-style: chr7-92447841-G-T. GRCh37 (hg19) VCF-style: chr7-92077155-G-T.
Other names: short protein forms G38C.
Identifiers: ClinVar variation 1728015 (VCV001728015.2), dbSNP rs1789221440, ClinGen allele CA368155108.

ClinVar aggregate classification (germline): Uncertain significance (1 of 4 stars; one submission).

Conditions:
Cardiovascular phenotype. Identifiers: MedGen CN230736.

gnomAD v4.1: 3 of 1,403,040 alleles (0.00021%); highest among the groups gnomAD compares: African/African-American, 0.003%; no homozygotes.

Submission:

Ambry Genetics
Classification: Uncertain significance for Cardiovascular phenotype. Last evaluated: 2021-03-24. Review status: criteria provided, single submitter. Criteria: Ambry Variant Classification Scheme 2023. Collection method: clinical testing. Allele origin: germline.
Comment: The p.G38C variant (also known as c.112G>T), located in coding exon 1 of the GATAD1 gene, results from a G to T substitution at nucleotide position 112. The glycine at codon 38 is replaced by cysteine, an amino acid with highly dissimilar properties. This amino acid position is not well conserved in available vertebrate species. In addition, the in silico prediction for this alteration is inconclusive. Since supporting evidence is limited at this time, the clinical significance of this alteration remains unclear.